The following continues an entry in ClinVar:

NM_032043.3(BRIP1):c.2324A>G (p.Asn775Ser)

Gene: BRIP1. ClinVar aggregate classification (germline): Conflicting classifications of pathogenicity. Uncertain significance (9); Likely benign (5).

Submissions 17 to 20 of 20:

True Health Diagnostics
Classification: Uncertain significance for Hereditary cancer-predisposing syndrome. Last evaluated: 2018-02-07. Review status: no assertion criteria provided. Collection method: clinical testing. Allele origin: germline. Not counted in ClinVar's aggregate classification.

ITMI
No classification provided. Condition: AllHighlyPenetrant. Last evaluated: 2013-09-19. Review status: no classification provided. Collection method: reference population. Allele origin: germline. Not counted in ClinVar's aggregate classification.
Comment: Please see associated publication for description of ethnicities

Department of Pathology and Laboratory Medicine, Sinai Health System
Classification: Uncertain significance. Review status: no assertion criteria provided. Collection method: clinical testing. Allele origin: unknown. Affected: yes. Observed: 1 variant allele. Study: The Canadian Open Genetics Repository (COGR). Not counted in ClinVar's aggregate classification.
Comment: The BRIP1 p.Asn775Ser variant was identified in 1 of 266 proband chromosomes (frequency: 0.004) from Taiwanes individuals or families with breast cancer (Lin 2016). The variant was also identified in dbSNP (ID: rs571108955) as â€šÃ„ÃºWith Uncertain significance alleleâ€šÃ„Ã¹, ClinVar (4x, uncertain significance), Clinvitae (3x), and was not identified in Cosmic, MutDB, or the Zhejiang Colon Cancer Database. The variant was identified in control databases in 31 of 277046 chromosomes at a frequency of 0.0001 increasing the likelihood this could be a low frequency benign variant (Genome Aggregation Database Feb 27, 2017). Breakdown of the observations by population include African in 1 of 24026 chromosomes (freq: 0.00004) and East Asian in 30 of 18840 chromosomes (freq: 0.002), while not observed in the Other, Latino, European, Ashkenazi Jewish, Finnish, and South Asian populations. The p.Asn775 residue is conserved in mammals and computational analyses (PolyPhen-2, SIFT, AlignGVGD, BLOSUM, MutationTaster) provide inconsistent predictions regarding the impact of Serine to the protein; this information is not very predictive of pathogenicity. The variant occurs outside of the splicing consensus sequence and 1 of 5 in silico or computational prediction software programs (SpliceSiteFinder, MaxEntScan, NNSPLICE, GeneSplicer, HumanSpliceFinder) predict a greater than 10% difference in splicing; this is not very predictive of pathogenicity. In summary, based on the above information the clinical significance of this variant cannot be determined with certainty at this time. This variant is classified as a variant of uncertain significance.

Laboratory of Molecular Epidemiology of Birth Defects, West China Second University Hospital, Sichuan University
Classification: Likely pathogenic for Ovarian cancer. Last evaluated: 2022-01-01. Review status: flagged submission. Criteria: ACMG Guidelines, 2015. Collection method: clinical testing. Allele origin: germline. Affected: yes. Not counted in ClinVar's aggregate classification.
ClinVar note: Reason: Outlier claim with insufficient supporting evidence

Literature cited by the submitters: PubMed 26580448 (cited by 4 submitters); PubMed 26689913 (cited by 4 submitters); PubMed 26824983 (cited by 5 submitters); PubMed 27498913 (cited by Labcorp Genetics (formerly Invitae), Labcorp and Counsyl); PubMed 30093976 (cited by 4 submitters); PubMed 30982232 (cited by 4 submitters); PubMed 31214711 (cited by 5 submitters); PubMed 33471991 (cited by Quest Diagnostics Nichols Institute San Juan Capistrano); PubMed 25783483 (cited by Quest Diagnostics Nichols Institute San Juan Capistrano and Ambry Genetics); PubMed 29929473 (cited by Women's Health and Genetics/Laboratory Corporation of America, LabCorp); PubMed 38298632 (cited by Women's Health and Genetics/Laboratory Corporation of America, LabCorp); PubMed 31666926 (cited by Ambry Genetics); PubMed 24728327 (cited by Counsyl and ITMI).